The following is an entry in ClinVar:

NM_003079.5(SMARCE1):c.25C>A (p.Pro9Thr)

Gene: SMARCE1 (SWI/SNF related BAF chromatin remodeling complex subunit E1; minus strand). Cytogenetic location: 17q21.2.
Variant type: single nucleotide variant.
Coding change: c.25C>A on transcript NM_003079.5 (MANE Select); coding-DNA position 25, C replaced by A.
Protein change: p.Pro9Thr; replaces proline 9 with threonine.
Molecular consequence: missense variant.
Genome position (GRCh38, 1-based): chr17:40,645,602, G>T on the plus strand (C>A on the coding strand, the complement: SMARCE1 is on the minus strand). VCF-style: chr17-40645602-G-T. GRCh37 (hg19) VCF-style: chr17-38801854-G-T.
Other names: short protein forms P9T.
Identifiers: ClinVar variation 4170319 (VCV004170319.1).

ClinVar aggregate classification (germline): Uncertain significance (1 of 4 stars; one submission).

Conditions:
Hereditary cancer-predisposing syndrome. Also called: Neoplastic Syndromes, Hereditary; Tumor predisposition; Hereditary Cancer Syndrome; Hereditary neoplastic syndrome. Identifiers: Orphanet 140162, MedGen C0027672, MeSH D009386, MONDO:0015356.

Submission:

Ambry Genetics
Classification: Uncertain significance for Hereditary cancer-predisposing syndrome. Last evaluated: 2025-07-12. Review status: criteria provided, single submitter. Criteria: Ambry Variant Classification Scheme 2023. Collection method: clinical testing. Allele origin: germline.
Comment: The p.P9T variant (also known as c.25C>A), located in coding exon 2 of the SMARCE1 gene, results from a C to A substitution at nucleotide position 25. The proline at codon 9 is replaced by threonine, an amino acid with highly similar properties. This amino acid position is conserved. In addition, the in silico prediction for this alteration is inconclusive. Based on the available evidence, the clinical significance of this variant remains unclear.